The following is an entry in ClinVar:

ClinVar aggregate classification (germline): Uncertain significance. Review status: criteria provided, multiple submitters, no conflicts (2 of 4 stars). 2 submissions from 2 submitters: Uncertain significance (2). Last evaluated 2022-08-08.

Conditions:
Tay-Sachs disease (TSD). Also called: HEXA Disorders; HEXA DEFICIENCY; GM2 gangliosidosis, type 1; Hexosaminidase alpha-subunit deficiency (variant B); Sphingolipidosis, Tay-Sachs; Hexosaminidase A Deficiency. Identifiers: Orphanet 845, MedGen C0039373, MONDO:0010100, OMIM 272800.
Inborn genetic diseases. Identifiers: MedGen C0950123, MeSH D030342.

Allele frequency attached by ClinVar (database versions not stated): gnomAD 0.00001; TOPMed 0.00001; ExAC 0.00003; gnomAD exomes 0.00003.
gnomAD v4.1: 44 of 1,614,006 alleles (0.0027%); highest among the groups gnomAD compares: South Asian, 0.0099%; no homozygotes.

Submissions (2):

Labcorp Genetics (formerly Invitae), Labcorp
Classification: Uncertain significance for Tay-Sachs disease. Last evaluated: 2022-08-08. Review status: criteria provided, single submitter. Criteria: Invitae Variant Classification Sherloc (09022015). Collection method: clinical testing. Allele origin: germline.
Comment: This sequence change replaces isoleucine, which is neutral and non-polar, with valine, which is neutral and non-polar, at codon 389 of the HEXA protein (p.Ile389Val). This variant is present in population databases (rs777212186, gnomAD 0.01%). This variant has not been reported in the literature in individuals affected with HEXA-related conditions. Algorithms developed to predict the effect of missense changes on protein structure and function output the following: SIFT: "Tolerated"; PolyPhen-2: "Benign"; Align-GVGD: "Class C0". The valine amino acid residue is found in multiple mammalian species, which suggests that this missense change does not adversely affect protein function. In summary, the available evidence is currently insufficient to determine the role of this variant in disease. Therefore, it has been classified as a Variant of Uncertain Significance.

Ambry Genetics
Classification: Uncertain significance for Inborn genetic diseases. Last evaluated: 2022-01-07. Review status: criteria provided, single submitter. Criteria: Ambry Variant Classification Scheme 2023. Collection method: clinical testing. Allele origin: germline.

NM_000520.6(HEXA):c.1165A>G (p.Ile389Val)

Gene: HEXA (hexosaminidase subunit alpha; minus strand). Cytogenetic location: 15q23.
Variant type: single nucleotide variant.
Coding change: c.1165A>G on transcript NM_000520.6 (MANE Select); coding-DNA position 1165, A replaced by G.
Protein change: p.Ile389Val; replaces isoleucine 389 with valine.
Molecular consequence: missense variant.
Genome position (GRCh38, 1-based): chr15:72,346,692, T>C on the plus strand (A>G on the coding strand, the complement: HEXA is on the minus strand). VCF-style: chr15-72346692-T-C. GRCh37 (hg19) VCF-style: chr15-72639033-T-C.
Other names: c.1198A>G, p.Ile400Val (NM_001318825.2); short protein forms I400V, I389V.
Identifiers: ClinVar variation 1982939 (VCV001982939.2), dbSNP rs777212186, ClinGen allele CA7644768.